The following is an entry in ClinVar:

NM_001430.5(EPAS1):c.337G>C (p.Glu113Gln)

Gene: EPAS1 (endothelial PAS domain protein 1; plus strand). Cytogenetic location: 2p21.
Variant type: single nucleotide variant.
Coding change: c.337G>C on transcript NM_001430.5 (MANE Select); coding-DNA position 337, G replaced by C.
Protein change: p.Glu113Gln; replaces glutamic acid 113 with glutamine.
Molecular consequence: missense variant.
Genome position (GRCh38, 1-based): chr2:46,356,270, G>C. VCF-style: chr2-46356270-G-C. GRCh37 (hg19) VCF-style: chr2-46583409-G-C.
Other names: short protein forms E113Q.
Identifiers: ClinVar variation 2565036 (VCV002565036.2), dbSNP rs763113481, ClinGen allele CA346697921.

ClinVar aggregate classification (germline): Uncertain significance (1 of 4 stars; one submission).

Conditions:
Inborn genetic diseases. Identifiers: MedGen C0950123, MeSH D030342.

Submission:

Ambry Genetics
Classification: Uncertain significance for Inborn genetic diseases. Last evaluated: 2023-03-22. Review status: criteria provided, single submitter. Criteria: Ambry Variant Classification Scheme 2023. Collection method: clinical testing. Allele origin: germline.
Comment: The p.E113Q variant (also known as c.337G>C), located in coding exon 3 of the EPAS1 gene, results from a G to C substitution at nucleotide position 337. The glutamic acid at codon 113 is replaced by glutamine, an amino acid with highly similar properties. This amino acid position is conserved. In addition, the in silico prediction for this alteration is inconclusive. Since supporting evidence is limited at this time, the clinical significance of this alteration remains unclear.